The following is an entry in ClinVar:

ClinVar aggregate classification (germline): Uncertain significance. Review status: criteria provided, multiple submitters, no conflicts (2 of 4 stars). 2 submissions from 2 submitters: Uncertain significance (2). Last evaluated 2024-12-25.

Conditions:
Inborn genetic diseases. Identifiers: MedGen C0950123, MeSH D030342.

Allele frequency attached by ClinVar (database versions not stated): gnomAD 0.00001 and 0.00002; TOPMed 0.00004.
gnomAD v4.1: 10 of 1,485,190 alleles (0.00067%); highest among the groups gnomAD compares: African/African-American, 0.0043%; no homozygotes.

Submissions (2):

Ambry Genetics
Classification: Uncertain significance for Inborn genetic diseases. Last evaluated: 2024-12-25. Review status: criteria provided, single submitter. Criteria: Ambry Variant Classification Scheme 2023. Collection method: clinical testing. Allele origin: germline.

Labcorp Genetics (formerly Invitae), Labcorp
Classification: Uncertain significance. Last evaluated: 2020-11-16. Review status: criteria provided, single submitter. Criteria: Invitae Variant Classification Sherloc (09022015). Collection method: clinical testing. Allele origin: germline.
Comment: This sequence change replaces serine with leucine at codon 195 of the ADCY5 protein (p.Ser195Leu). The serine residue is weakly conserved and there is a large physicochemical difference between serine and leucine. This variant is present in population databases (rs368363111, ExAC 0.008%). This variant has not been reported in the literature in individuals with ADCY5-related conditions. Advanced modeling of protein sequence and biophysical properties (such as structural, functional, and spatial information, amino acid conservation, physicochemical variation, residue mobility, and thermodynamic stability) performed at Invitae indicates that this missense variant is not expected to disrupt ADCY5 protein function. In summary, the available evidence is currently insufficient to determine the role of this variant in disease. Therefore, it has been classified as a Variant of Uncertain Significance.

NM_183357.3(ADCY5):c.584C>T (p.Ser195Leu)

Gene: ADCY5 (adenylate cyclase 5; minus strand). Cytogenetic location: 3q21.1.
Variant type: single nucleotide variant.
Coding change: c.584C>T on transcript NM_183357.3 (MANE Select); coding-DNA position 584, C replaced by T.
Protein change: p.Ser195Leu; replaces serine 195 with leucine.
Molecular consequence: missense variant.
Genome position (GRCh38, 1-based): chr3:123,447,962, G>A on the plus strand (C>T on the coding strand, the complement: ADCY5 is on the minus strand). VCF-style: chr3-123447962-G-A. GRCh37 (hg19) VCF-style: chr3-123166809-G-A.
Other names: c.584C>T, p.Ser195Leu (NM_001378259.1); c.584C>T (NM_183357.2); short protein forms S195L.
Identifiers: ClinVar variation 1463229 (VCV001463229.9), dbSNP rs368363111, ClinGen allele CA2577681.